The following is an entry in ClinVar:

ClinVar aggregate classification (germline): Conflicting classifications of pathogenicity. Review status: criteria provided, conflicting classifications (1 of 4 stars). 4 submissions from 4 submitters: Uncertain significance (1); Likely benign (3). Last evaluated 2024-04-01.

Conditions:
Ataxia-telangiectasia syndrome (AT). Also called: Ataxia telangiectasia (A-T); LOUIS-BAR SYNDROME; Cerebello-oculocutaneous telangiectasia; Immunodeficiency with ataxia telangiectasia; ATAXIA-TELANGIECTASIA, COMPLEMENTATION GROUP A; ATAXIA-TELANGIECTASIA, FRESNO VARIANT. Identifiers: Orphanet 100, MedGen C0004135, MONDO:0008840, OMIM 208900.
Hereditary cancer-predisposing syndrome. Also called: Tumor predisposition; Hereditary Cancer Syndrome; Hereditary neoplastic syndrome; Neoplastic Syndromes, Hereditary. Identifiers: Orphanet 140162, MedGen C0027672, MeSH D009386, MONDO:0015356.

Allele frequency attached by ClinVar (database versions not stated): gnomAD exomes below 0.00001; TOPMed below 0.00001; gnomAD 0.00001.
gnomAD v4.1: 2 of 1,613,884 alleles (0.00012%); highest among the groups gnomAD compares: Non-Finnish European, 0.00017%; no homozygotes.

Submissions (4):

Labcorp Genetics (formerly Invitae), Labcorp
Classification: Likely benign for Ataxia-telangiectasia syndrome. Last evaluated: 2024-04-01. Review status: criteria provided, single submitter. Criteria: Invitae Variant Classification Sherloc (09022015). Collection method: clinical testing. Allele origin: germline.

Color Diagnostics, LLC DBA Color Health
Classification: Likely benign for Hereditary cancer-predisposing syndrome. Last evaluated: 2017-03-24. Review status: criteria provided, single submitter. Criteria: ACMG Guidelines, 2015. Collection method: clinical testing. Allele origin: germline.

GeneDx
Classification: Uncertain significance. Last evaluated: 2016-03-02. Review status: criteria provided, single submitter. Criteria: GeneDx Variant Classification (06012015). Collection method: clinical testing. Allele origin: germline. Affected: yes.
Comment: This variant is denoted ATM c.3283A>C at the cDNA level. This variant is silent at the coding level, preserving an Arginine at codon 1095. Multiple splicing models suggest that this variant weakens the nearby splice donor site; however, in the absence of RNA or functional studies, the actual effect of this variant is unknown. This variant has not, to our knowledge, been published in the literature as pathogenic or benign. ATM c.3283A>C was not observed in approximately 6,500 individuals of European and African American ancestry in the NHLBI Exome Sequencing Project, indicating it is not a common benign variant in these populations. The nucleotide which is altered, an adenine (A) at base 3283, is conserved across species. Based on currently available information, it is unclear whether ATM c.3283A>C is pathogenic or benign. We consider it to be a variant of uncertain significance.

Ambry Genetics
Classification: Likely benign for Hereditary cancer-predisposing syndrome. Last evaluated: 2015-08-07. Review status: criteria provided, single submitter. Criteria: Ambry Variant Classification Scheme 2023. Collection method: clinical testing. Allele origin: germline.

NM_000051.4(ATM):c.3283A>C (p.Arg1095=)

Gene: ATM (ATM serine/threonine kinase; plus strand). Cytogenetic location: 11q22.3.
Variant type: single nucleotide variant.
Coding change: c.3283A>C on transcript NM_000051.4 (MANE Select); coding-DNA position 3283, A replaced by C.
Protein change: p.Arg1095=; no amino-acid change (arginine 1095 retained).
Molecular consequence: synonymous variant.
Genome position (GRCh38, 1-based): chr11:108,272,851, A>C. VCF-style: chr11-108272851-A-C. GRCh37 (hg19) VCF-style: chr11-108143578-A-C.
Other names: c.3283A>C, p.Arg1095= (NM_001351834.2).
Identifiers: ClinVar variation 233274 (VCV000233274.19), dbSNP rs876660302, ClinGen allele CA10579093.
Genomic context (GRCh38, chr11:108,272,851, plus strand): 5'-ACACAATTTCTTGCTGACAATCATCACCAAGTTCGCATGTTGGCTGCAGAGTCAATCAAT[A>C]GGTAATGGGTCAAATATTCATGAAGTATTTGGAATGCTGCAGATGGCAGTAGAATGTCTT-3'
Protein context (NP_000042.3, residues 1085-1105): VRMLAAESIN[Arg1095=]LFQDTKGDSS